The following is an entry in ClinVar:

ClinVar aggregate classification (germline): Uncertain significance (1 of 4 stars; one submission).

Conditions:
Hypertrophic cardiomyopathy. Also called: HYPERTROPHIC MYOCARDIOPATHY. Identifiers: Orphanet 217569, MedGen C0007194, MeSH D002312, MONDO:0005045, HP:0001639.

Allele frequency attached by ClinVar (database versions not stated): gnomAD exomes below 0.00001.
gnomAD v4.1: 2 of 1,614,034 alleles (0.00012%); highest among the groups gnomAD compares: Non-Finnish European, 0.00017%; no homozygotes.

Submission:

Labcorp Genetics (formerly Invitae), Labcorp
Classification: Uncertain significance for Hypertrophic cardiomyopathy. Last evaluated: 2025-09-08. Review status: criteria provided, single submitter. Criteria: Invitae Variant Classification Sherloc (09022015). Collection method: clinical testing. Allele origin: germline.
Comment: This sequence change falls in intron 14 of the MYH7 gene. It does not directly change the encoded amino acid sequence of the MYH7 protein. This variant is not present in population databases (gnomAD no frequency). This variant has not been reported in the literature in individuals affected with MYH7-related conditions. ClinVar contains an entry for this variant (Variation ID: 2766826). Algorithms developed to predict the effect of sequence changes on RNA splicing suggest that this variant may disrupt the consensus splice site. In summary, the available evidence is currently insufficient to determine the role of this variant in disease. Therefore, it has been classified as a Variant of Uncertain Significance.

NM_000257.4(MYH7):c.1408-12T>A

Gene: MYH7 (myosin heavy chain 7; minus strand). Cytogenetic location: 14q11.2.
Variant type: single nucleotide variant.
Coding change: c.1408-12T>A on transcript NM_000257.4 (MANE Select); 12 bases into the intron before coding-DNA position 1408, T replaced by A.
Molecular consequence: intron variant.
Genome position (GRCh38, 1-based): chr14:23,428,682, A>T on the plus strand (T>A on the coding strand, the complement: MYH7 is on the minus strand). VCF-style: chr14-23428682-A-T. GRCh37 (hg19) VCF-style: chr14-23897891-A-T.
Other names: c.1408-12T>A (NM_001407004.1).
Identifiers: ClinVar variation 2766826 (VCV002766826.3), dbSNP rs533480894, ClinGen allele CA2624236581.